The following is an entry in ClinVar:

ClinVar aggregate classification (germline): Uncertain significance (1 of 4 stars; one submission).

Submission:

Labcorp Genetics (formerly Invitae), Labcorp
Classification: Uncertain significance. Last evaluated: 2025-02-03. Review status: criteria provided, single submitter. Criteria: Invitae Variant Classification Sherloc (09022015). Collection method: clinical testing. Allele origin: germline.
Comment: This variant, c.451_452ins39, is a complex sequence change that results in the deletion of 1 and insertion of 13 amino acid(s) in the PCNT protein (p.His151delins13). This variant is not present in population databases (gnomAD no frequency). This variant has not been reported in the literature in individuals affected with PCNT-related conditions. ClinVar contains an entry for this variant (Variation ID: 1421434). In summary, the available evidence is currently insufficient to determine the role of this variant in disease. Therefore, it has been classified as a Variant of Uncertain Significance.

NM_006031.6(PCNT):c.451_452insTGGGATGTTCACAGTCAGTGACCACCCACCAGAACAGCA (p.His151delinsLeuGlyCysSerGlnSerValThrThrHisGlnAsnSerAsn)

Gene: PCNT (pericentrin; plus strand). Cytogenetic location: 21q22.3.
Variant type: Insertion.
Coding change: c.451_452insTGGGATGTTCACAGTCAGTGACCACCCACCAGAACAGCA on transcript NM_006031.6 (MANE Select); coding-DNA positions 451 to 452, TGGGATGTTCACAGTCAGTGACCACCCACCAGAACAGCA inserted.
Protein change: p.His151delinsLeuGlyCysSerGlnSerValThrThrHisGlnAsnSerAsn.
Molecular consequence: inframe indel.
Genome position: GRCh38: chr21:46,334,580-46,334,581. GRCh37 (hg19): chr21:47,754,494-47,754,495.
Other names: c.97_98insTGGGATGTTCACAGTCAGTGACCACCCACCAGAACAGCA, p.His33delinsLeuGlyCysSerGlnSerValThrThrHisGlnAsnSerAsn (NM_001315529.2).
Identifiers: ClinVar variation 1421434 (VCV001421434.6), dbSNP rs2146360015, ClinGen allele CA2573157741.
Genomic context (GRCh38, chr21:46,334,580, plus strand): 5'-GGGATGTTCACAGTCGGTGACCACCCACCAGAACAGCGTGGGATGTTCACAGTCAGTGAC[C>CTGGGATGTTCACAGTCAGTGACCACCCACCAGAACAGCA]ACCCACCAGAACAGCATGGGATGTTCACAGTCAGTGACCACCCACCAGAACAGCGTGGGA-3'